The following is an entry in ClinVar:

ClinVar aggregate classification (germline): Conflicting classifications of pathogenicity. Review status: criteria provided, conflicting classifications (1 of 4 stars). 5 submissions from 5 submitters: Likely pathogenic (2); Uncertain significance (3). Last evaluated 2026-02-25.

Conditions:
Hereditary nonpolyposis colorectal neoplasms. Identifiers: MedGen C0009405, MeSH D003123.
Mismatch repair cancer syndrome 4. Identifiers: MedGen C5436817, MONDO:0030843, OMIM 619101.
Hereditary cancer-predisposing syndrome. Also called: Neoplastic Syndromes, Hereditary; Tumor predisposition; Hereditary neoplastic syndrome; Hereditary Cancer Syndrome. Identifiers: Orphanet 140162, MedGen C0027672, MeSH D009386, MONDO:0015356.

Submissions (5):

Ambry Genetics
Classification: Likely pathogenic for Hereditary cancer-predisposing syndrome. Last evaluated: 2026-02-25. Review status: criteria provided, single submitter. Criteria: Ambry Variant Classification Scheme 2023. Collection method: clinical testing. Allele origin: germline.
Comment: The c.128_130delTAG variant (also known as p.V43del) is located in coding exon 2 of the PMS2 gene. This variant results from an in-frame TAG deletion at nucleotide positions 128 to 130. This results in the in-frame deletion of a valine at codon 43. This variant has been confirmed in trans with a PMS2 likely pathogenic variant in a proband with clinical features of constitutional mismatch repair deficiency (CMMRD) syndrome (Krugman J et al. Pediatr Blood Cancer, 2024 Jan;71:e30757; Ambry internal data). Based on internal structural analysis, p.V43del is deleterious and is less tolerated compared to nearby pathogenic variants (Ambry internal data). The deleted amino acid position is not well conserved in available vertebrate species. In addition, this alteration is predicted to be deleterious by in silico analysis (Choi Y et al. PLoS ONE. 2012; 7(10):e46688). Based on the majority of available evidence to date, this variant is likely to be pathogenic.

Labcorp Genetics (formerly Invitae), Labcorp
Classification: Likely pathogenic for Hereditary nonpolyposis colorectal neoplasms. Last evaluated: 2025-09-03. Review status: criteria provided, single submitter. Criteria: Invitae Variant Classification Sherloc (09022015). Collection method: clinical testing. Allele origin: germline.
Comment: This variant, c.128_130del, results in the deletion of 1 amino acid(s) of the PMS2 protein (p.Val43del), but otherwise preserves the integrity of the reading frame. This variant is present in population databases (no rsID available, gnomAD 0.003%). This variant has been observed in individual(s) with clinical features of Lynch syndrome and constitutional mismatch repair deficiency syndrome (PMID: 37881859; internal data). In at least one individual the data is consistent with being in trans (on the opposite chromosome) from a pathogenic variant. ClinVar contains an entry for this variant (Variation ID: 420961). Experimental studies and prediction algorithms are not available or were not evaluated, and the functional significance of this variant is currently unknown. In summary, the currently available evidence indicates that the variant is pathogenic, but additional data are needed to prove that conclusively. Therefore, this variant has been classified as Likely Pathogenic.

Department of Pathology and Laboratory Medicine, Sinai Health System
Classification: Uncertain significance for Mismatch repair cancer syndrome 4. Last evaluated: 2022-05-03. Review status: criteria provided, single submitter. Criteria: ACMG Guidelines, 2015. Collection method: clinical testing. Allele origin: germline. Affected: yes.

Quest Diagnostics Nichols Institute San Juan Capistrano
Classification: Uncertain significance. Last evaluated: 2020-08-14. Review status: criteria provided, single submitter. Criteria: Quest Diagnostics criteria. Collection method: clinical testing. Allele origin: unknown.

GeneDx
Classification: Uncertain significance. Last evaluated: 2016-04-19. Review status: criteria provided, single submitter. Criteria: GeneDx Variant Classification (06012015). Collection method: clinical testing. Allele origin: germline. Affected: yes.
Comment: This in-frame deletion of 3 nucleotides in PMS2 is denoted c.128_130delTAG at the cDNA level and p.Val43del (V43del) at the protein level. The normal sequence, with the bases that are deleted in braces, is TTAG[TAG]AAAAC. This deletion of a single Valine residue occurs at a position where amino acids with properties similar to Valine are tolerated across species and is located within the ATPase domain (Guarne 2001, Fukui 2011). This variant has not, to our knowledge, been published in the literature as pathogenic or benign. Since in-frame deletions may or may not inhibit proper protein functioning, the clinical significance of this finding remains unclear at this time, and we consider PMS2 Val43del to be a variant of uncertain significance.

Literature cited by the submitters: PubMed 37881859 (cited by Ambry Genetics and Labcorp Genetics (formerly Invitae), Labcorp).

NM_000535.7(PMS2):c.125TAG[1] (p.Val43del)

Gene: PMS2 (PMS1 homolog 2, mismatch repair system component; minus strand). Cytogenetic location: 7p22.1.
Variant type: Microsatellite.
Coding change: c.125TAG[1] on transcript NM_000535.7 (MANE Select); one copy of the 3-base unit TAG starting at c.125; the reference has two copies in a row; one copy, 3 bases deleted.
Protein change: p.Val43del; deletes valine 43.
Molecular consequence: inframe deletion. On other transcripts: 5 prime UTR variant (8), non-coding transcript variant (1), intron variant (3).
Genome position (GRCh38, 1-based): chr7:6,005,925-6,005,927, CTA deleted on the plus strand (TAG on the coding strand, the reverse complement: PMS2 is on the minus strand); deleting any 3 consecutive bases within chr7:6,005,925-6,005,930 gives the same sequence; the position shown is the placement nearest the transcript's 3' end. VCF-style (leftmost placement, unchanged base first): chr7-6005924-TCTA-T. GRCh37 (hg19) VCF-style: chr7-6045555-TCTA-T.
Other names: c.-281TAG[1] (NM_001322003.2, NM_001322005.2, NM_001322009.2 and 1 more transcripts); c.125TAG[1], p.Val43del (NM_001322006.2, NM_001322014.2); c.-91TAG[1] (NM_001322007.2); c.-760TAG[1] (NM_001322011.2, NM_001322012.2); c.-360TAG[1] (NM_001322015.2); c.-52-1869_-52-1867del (NM_001322008.2); c.-242-1869_-242-1867del (NM_001322010.2, NM_001322004.2); short protein forms V43del.
Identifiers: ClinVar variation 420961 (VCV000420961.13), dbSNP rs1064794820, ClinGen allele CA16618544.
Genomic context (GRCh38, chr7:6,005,924, plus strand): 5'-TTGTGGCTTAAAACTCTCCCAAACTTACCAATATTAGTGGCACCAGCATCCAGACTGTTT[TCTA>T]CTAACTCCTTTACCGCAGTGCTTAGACTCAGTACCACCTGCCCAGAGCAAATCTGATGGA-3'